The following is an entry in ClinVar:

ClinVar aggregate classification (germline): Benign/Likely benign. Review status: criteria provided, multiple submitters, no conflicts (2 of 4 stars). 3 submissions from 3 submitters: Benign (1); Likely benign (2). Last evaluated 2026-01-31.

Conditions:
Ehlers-Danlos syndrome, classic type, 1 (EDSCL1). Also called: Ehlers-Danlos Syndrome, Classic Type, COL5A1-Related; EHLERS-DANLOS SYNDROME, GRAVIS TYPE; EHLERS-DANLOS SYNDROME, SEVERE CLASSIC TYPE; Ehlers-Danlos syndrome, type 1; EDS I. Identifiers: MedGen C0268335, MONDO:0019567, OMIM 130000.

Allele frequency attached by ClinVar (database versions not stated): gnomAD 0.00001; TOPMed 0.00002; gnomAD exomes 0.00003.
gnomAD v4.1: 27 of 1,529,506 alleles (0.0018%); highest among the groups gnomAD compares: Non-Finnish European, 0.0023%; no homozygotes.

Submissions (3):

Labcorp Genetics (formerly Invitae), Labcorp
Classification: Likely benign for Ehlers-Danlos syndrome, classic type, 1. Last evaluated: 2026-01-31. Review status: criteria provided, single submitter. Criteria: Invitae Variant Classification Sherloc (09022015). Collection method: clinical testing. Allele origin: germline.

Women's Health and Genetics/Laboratory Corporation of America, LabCorp
Classification: Likely benign. Last evaluated: 2025-07-22. Review status: criteria provided, single submitter. Criteria: LabCorp Variant Classification Summary - May 2015. Collection method: clinical testing. Allele origin: germline.

GeneDx
Classification: Benign. Last evaluated: 2015-02-18. Review status: criteria provided, single submitter. Criteria: GeneDx Variant Classification (06012015). Collection method: clinical testing. Allele origin: germline. Affected: yes.
Comment: This variant is considered likely benign or benign based on one or more of the following criteria: it is a conservative change, it occurs at a poorly conserved position in the protein, it is predicted to be benign by multiple in silico algorithms, and/or has population frequency not consistent with disease.

NM_000093.5(COL5A1):c.3366+11C>T

Gene: COL5A1 (collagen type V alpha 1 chain; plus strand). Cytogenetic location: 9q34.3.
Variant type: single nucleotide variant.
Coding change: c.3366+11C>T on transcript NM_000093.5 (MANE Select); 11 bases into the intron after coding-DNA position 3366, C replaced by T.
Molecular consequence: intron variant.
Genome position (GRCh38, 1-based): chr9:134,806,307, C>T. VCF-style: chr9-134806307-C-T. GRCh37 (hg19) VCF-style: chr9-137698153-C-T.
Other names: c.3366+11C>T (NM_001278074.1).
Identifiers: ClinVar variation 212900 (VCV000212900.5), dbSNP rs863223438, ClinGen allele CA323295.